The following is an entry in ClinVar:

ClinVar aggregate classification (germline): Pathogenic/Likely pathogenic. Review status: criteria provided, multiple submitters, no conflicts (2 of 4 stars). 2 submissions from 2 submitters: Pathogenic (1); Likely pathogenic (1). Last evaluated 2025-09-02.

Conditions:
Oligosynaptic infertility (SPGF1). Also called: SPERMATOGENIC FAILURE 1; OLIGOCHIASMATIC INFERTILITY. Identifiers: MedGen C0403810, MONDO:0009776, OMIM 258150.
46 XY differences of sex development. Also called: 46, XY disorder of sex development (DSD); 46,XY disorder of sex development. Identifiers: Orphanet 98085, MedGen C2751824, MONDO:0020040.

Submissions (2):

Labcorp Genetics (formerly Invitae), Labcorp
Classification: Pathogenic for 46 XY differences of sex development; Oligosynaptic infertility. Last evaluated: 2025-09-02. Review status: criteria provided, single submitter. Criteria: Invitae Variant Classification Sherloc (09022015). Collection method: clinical testing. Allele origin: germline.
Comment: This sequence change replaces glycine, which is neutral and non-polar, with serine, which is neutral and polar, at codon 22 of the NR5A1 protein (p.Gly22Ser). This variant is not present in population databases (gnomAD no frequency). This missense change has been observed in individuals with clinical features of NR5A1-related conditions (PMID: 32008008; internal data). ClinVar contains an entry for this variant (Variation ID: 2938097). Invitae Evidence Modeling of protein sequence and biophysical properties (such as structural, functional, and spatial information, amino acid conservation, physicochemical variation, residue mobility, and thermodynamic stability) indicates that this missense variant is expected to disrupt NR5A1 protein function with a positive predictive value of 95%. Experimental studies have shown that this missense change affects NR5A1 function (PMID: 32008008). For these reasons, this variant has been classified as Pathogenic.

GeneDx
Classification: Likely pathogenic. Last evaluated: 2024-10-17. Review status: criteria provided, single submitter. Criteria: GeneDx Variant Classification Process June 2021. Collection method: clinical testing. Allele origin: germline. Affected: yes.
Comment: Published functional studies suggest a damaging effect as this variant demonstrates loss of binding to NR5A1 responsive elements, reduced transcriptional activity and aberrant nuclear localization (PMID: 32008008); Not observed at significant frequency in large population cohorts (gnomAD); In silico analysis supports that this missense variant has a deleterious effect on protein structure/function; This variant is associated with the following publications: (PMID: Decken2024[CaseReport], 32008008)

Literature cited by the submitters: PubMed 32008008 (cited by Labcorp Genetics (formerly Invitae), Labcorp).

NM_004959.5(NR5A1):c.64G>A (p.Gly22Ser)

Gene: NR5A1 (nuclear receptor subfamily 5 group A member 1; minus strand). Cytogenetic location: 9q33.3.
Variant type: single nucleotide variant.
Coding change: c.64G>A on transcript NM_004959.5 (MANE Select); coding-DNA position 64, G replaced by A.
Protein change: p.Gly22Ser; replaces glycine 22 with serine.
Molecular consequence: missense variant.
Genome position (GRCh38, 1-based): chr9:124,503,332, C>T on the plus strand (G>A on the coding strand, the complement: NR5A1 is on the minus strand). VCF-style: chr9-124503332-C-T. GRCh37 (hg19) VCF-style: chr9-127265611-C-T.
Other names: c.64G>A (NM_004959.4); short protein forms G22S.
Identifiers: ClinVar variation 2938097 (VCV002938097.4), dbSNP rs2538687495, ClinGen allele CA374890722.
Genomic context (GRCh38, chr9:124,503,332, plus strand): 5'-CTGCCGCGCGCTCGCCGCTCACCTTGCAGCTCTCACACGTGAGCAGTCCGTAGTGGTAGC[C>T]GGACACCTTGTCCCCGCACACGGGGCACAGCTCGTCCAGGTCCTCGTCGTACGAATAGTC-3'
Protein context (NP_004950.2, residues 12-32): LCPVCGDKVS[Gly22Ser]YHYGLLTCES